The following is an entry in ClinVar:

NM_000052.7(ATP7A):c.3917C>T (p.Ser1306Phe)

Gene: ATP7A (ATPase copper transporting alpha; plus strand). Cytogenetic location: Xq21.1.
Variant type: single nucleotide variant.
Coding change: c.3917C>T on transcript NM_000052.7 (MANE Select); coding-DNA position 3917, C replaced by T.
Protein change: p.Ser1306Phe; replaces serine 1306 with phenylalanine.
Molecular consequence: missense variant. On other transcripts: non-coding transcript variant (1).
Genome position (GRCh38, 1-based): chrX:78,042,700, C>T. VCF-style: chrX-78042700-C-T. GRCh37 (hg19) VCF-style: chrX-77298198-C-T.
Other names: c.3683C>T, p.Ser1228Phe (NM_001282224.2); short protein forms S1228F, S1306F.
Identifiers: ClinVar variation 3753817 (VCV003753817.2).

ClinVar aggregate classification (germline): Uncertain significance (1 of 4 stars; one submission).

Conditions:
Menkes kinky-hair syndrome (MNK). Also called: Copper transport disease; Menkes Disease; Classic Menkes Disease. Identifiers: Orphanet 565, MedGen C0022716, MONDO:0010651, OMIM 309400.
X-linked distal spinal muscular atrophy type 3. Also called: ATP7A-Related Distal Motor Neuropathy; SPINAL MUSCULAR ATROPHY, DISTAL, X-LINKED RECESSIVE; NEURONOPATHY, DISTAL HEREDITARY MOTOR, X-LINKED; NEUROPATHY, DISTAL HEREDITARY MOTOR, X-LINKED. Identifiers: Orphanet 139557, MedGen C1845359, MONDO:0010338, OMIM 300489.
Cutis laxa, X-linked (OHS). Also called: EDS IX; Occipital horn syndrome. Identifiers: Orphanet 198, MedGen C0268353, MONDO:0010572, OMIM 304150.

gnomAD v4.1: 1 of 1,211,644 alleles (0.000083%); highest among the groups gnomAD compares: Non-Finnish European, 0.00011%; no homozygotes.

Submission:

Labcorp Genetics (formerly Invitae), Labcorp
Classification: Uncertain significance for X-linked distal spinal muscular atrophy type 3; Cutis laxa, X-linked; Menkes kinky-hair syndrome. Last evaluated: 2026-02-03. Review status: criteria provided, single submitter. Criteria: Invitae Variant Classification Sherloc (09022015). Collection method: clinical testing. Allele origin: germline.
Comment: This sequence change replaces serine, which is neutral and polar, with phenylalanine, which is neutral and non-polar, at codon 1306 of the ATP7A protein (p.Ser1306Phe). This variant is not present in population databases (gnomAD no frequency). This variant has not been reported in the literature in individuals affected with ATP7A-related conditions. ClinVar contains an entry for this variant (Variation ID: 3753817). Invitae Evidence Modeling of protein sequence and biophysical properties (such as structural, functional, and spatial information, amino acid conservation, physicochemical variation, residue mobility, and thermodynamic stability) indicates that this missense variant is expected to disrupt ATP7A protein function with a positive predictive value of 95%. In summary, the available evidence is currently insufficient to determine the role of this variant in disease. Therefore, it has been classified as a Variant of Uncertain Significance.